The following is an entry in ClinVar:

NM_004991.4(MECOM):c.2347G>A (p.Ala783Thr)

Gene: MECOM (MDS1 and EVI1 complex locus; minus strand). Cytogenetic location: 3q26.2.
Variant type: single nucleotide variant.
Coding change: c.2347G>A on transcript NM_004991.4 (MANE Select); coding-DNA position 2347, G replaced by A.
Protein change: p.Ala783Thr; replaces alanine 783 with threonine.
Molecular consequence: missense variant.
Genome position (GRCh38, 1-based): chr3:169,115,525, C>T on the plus strand (G>A on the coding strand, the complement: MECOM is on the minus strand). VCF-style: chr3-169115525-C-T. GRCh37 (hg19) VCF-style: chr3-168833313-C-T.
Other names: c.1978G>A, p.Ala660Thr (NM_001105077.4); c.1783G>A, p.Ala595Thr (NM_001105078.4, NM_001164000.2, NM_001205194.2 and 4 more transcripts); c.1786G>A, p.Ala596Thr (NM_001163999.2, NM_001366467.2, NM_001366468.2 and 1 more transcripts); c.2347G>A, p.Ala783Thr (NM_001366466.2); c.1375G>A, p.Ala459Thr (NM_001366473.2); c.811G>A, p.Ala271Thr (NM_001366474.2); short protein forms A271T, A660T, A783T, A459T, A595T, A596T.
Identifiers: ClinVar variation 3394348 (VCV003394348.1).

ClinVar aggregate classification (germline): Uncertain significance (1 of 4 stars; one submission).

Conditions:
Inborn genetic diseases. Identifiers: MedGen C0950123, MeSH D030342.

gnomAD v4.1: 8 of 1,614,008 alleles (0.0005%); highest among the groups gnomAD compares: Non-Finnish European, 0.00068%; no homozygotes.

Submission:

Ambry Genetics
Classification: Uncertain significance for Inborn genetic diseases. Last evaluated: 2024-11-28. Review status: criteria provided, single submitter. Criteria: Ambry Variant Classification Scheme 2023. Collection method: clinical testing. Allele origin: germline.
Comment: The p.A783T variant (also known as c.2347G>A), located in coding exon 8 of the MECOM gene, results from a G to A substitution at nucleotide position 2347. The alanine at codon 783 is replaced by threonine, an amino acid with similar properties. This amino acid position is conserved. In addition, this alteration is predicted to be tolerated by in silico analysis. Based on the available evidence, the clinical significance of this variant remains unclear.